The following is an entry in ClinVar:

ClinVar aggregate classification (germline): Conflicting classifications of pathogenicity. Review status: criteria provided, conflicting classifications (1 of 4 stars). 6 submissions from 6 submitters: Uncertain significance (1); Likely benign (3). 2 of the submissions do not count toward it. Last evaluated 2025-02-01.

Conditions:
Familial acute necrotizing encephalopathy (IIAE3). Also called: Susceptibility to Acute Necrotizing Encephalopathy 1; ENCEPHALOPATHY, ACUTE, INFECTION-INDUCED, SUSCEPTIBILITY TO, 3. Identifiers: Orphanet 88619, MedGen C2675556, MONDO:0011953, OMIM 608033.

Allele frequency attached by ClinVar (database versions not stated): ESP Exome Variant Server 0.00023; ExAC 0.00046; 1000 Genomes Project 30x 0.00062; TOPMed 0.00073; 1000 Genomes Project 0.00080.
gnomAD v4.1: 598 of 1,613,914 alleles (0.037%); highest among the groups gnomAD compares: Middle Eastern, 0.16%; 2 homozygotes.

Submissions (6):

CeGaT Center for Human Genetics Tuebingen
Classification: Likely benign. Last evaluated: 2025-02-01. Review status: criteria provided, single submitter. Criteria: CeGaT Center For Human Genetics Tuebingen Variant Classification Criteria Version 2. Collection method: clinical testing. Allele origin: germline. Affected: yes. Observed: 1 variant allele.
Comment: RANBP2: BP4, BS1

Labcorp Genetics (formerly Invitae), Labcorp
Classification: Likely benign for Familial acute necrotizing encephalopathy. Last evaluated: 2024-10-22. Review status: criteria provided, single submitter. Criteria: Invitae Variant Classification Sherloc (09022015). Collection method: clinical testing. Allele origin: germline.

Blueprint Genetics
Classification: Likely benign. Last evaluated: 2024-10-09. Review status: criteria provided, single submitter. Criteria: ACMG Guidelines, 2015. Collection method: clinical testing. Allele origin: germline.

Baylor Genetics
Classification: Uncertain significance for Familial acute necrotizing encephalopathy. Last evaluated: 2020-01-16. Review status: criteria provided, single submitter. Criteria: ACMG Guidelines, 2015. Collection method: clinical testing. Allele origin: unknown. Affected: yes.
Comment: This variant was determined to be of uncertain significance according to ACMG Guidelines, 2015 [PMID:25741868].

Clinical Genetics DNA and cytogenetics Diagnostics Lab, Erasmus MC, Erasmus Medical Center
Classification: Likely benign. Review status: no assertion criteria provided. Collection method: clinical testing. Allele origin: germline. Affected: yes. Study: VKGL Data-share Consensus. Not counted in ClinVar's aggregate classification.

Genome Diagnostics Laboratory, University Medical Center Utrecht
Classification: Likely benign. Review status: no assertion criteria provided. Collection method: clinical testing. Allele origin: germline. Affected: yes. Study: VKGL Data-share Consensus. Not counted in ClinVar's aggregate classification.

NM_006267.5(RANBP2):c.3363G>T (p.Lys1121Asn)

Gene: RANBP2 (RAN binding protein 2; plus strand). Cytogenetic location: 2q13.
Variant type: single nucleotide variant.
Coding change: c.3363G>T on transcript NM_006267.5 (MANE Select); coding-DNA position 3363, G replaced by T.
Protein change: p.Lys1121Asn; replaces lysine 1121 with asparagine.
Molecular consequence: missense variant.
Genome position (GRCh38, 1-based): chr2:108,763,902, G>T. VCF-style: chr2-108763902-G-T. GRCh37 (hg19) VCF-style: chr2-109380358-G-T.
Other names: short protein forms K1121N.
Identifiers: ClinVar variation 469452 (VCV000469452.29), dbSNP rs112835359, ClinGen allele CA1822927.